The following is an entry in ClinVar:

NM_005647.4(TBL1X):c.1510C>T (p.His504Tyr)

Gene: TBL1X (transducin beta like 1 X-linked; plus strand). Cytogenetic location: Xp22.2.
Variant type: single nucleotide variant.
Coding change: c.1510C>T on transcript NM_005647.4 (MANE Select); coding-DNA position 1510, C replaced by T.
Protein change: p.His504Tyr; replaces histidine 504 with tyrosine.
Molecular consequence: missense variant.
Genome position (GRCh38, 1-based): chrX:9,711,681, C>T. VCF-style: chrX-9711681-C-T. GRCh37 (hg19) VCF-style: chrX-9679721-C-T.
Other names: c.1510C>T, p.His504Tyr (NM_001139466.1); c.1357C>T, p.His453Tyr (NM_001139467.1, NM_001139468.1); short protein forms H453Y, H504Y.
Identifiers: ClinVar variation 691489 (VCV000691489.3), dbSNP rs1601857538, ClinGen allele CA411987971.

ClinVar aggregate classification (germline): Uncertain significance. Review status: criteria provided, single submitter (1 of 4 stars). 2 submissions from 2 submitters: Uncertain significance (1). 1 of the submissions does not count toward it. Last evaluated 2020-02-14.

Conditions:
Hypothyroidism, congenital, nongoitrous, 8. Identifiers: MedGen C5231395, MONDO:0026731, OMIM 301033.

Submissions (2):

SIB Swiss Institute of Bioinformatics
Classification: Uncertain significance for Hypothyroidism, congenital, nongoitrous, 8. Last evaluated: 2020-02-14. Review status: criteria provided, single submitter. Criteria: ACMG Guidelines, 2015. Collection method: curation. Allele origin: unknown.
Comment: This variant is interpreted as a variant of uncertain significance for Hypothyroidism, congenital, non-goitrous, 8, X-linked. The following ACMG Tag(s) were applied: PM2, PP3, PS3-Moderate.

OMIM
Classification: Pathogenic for HYPOTHYROIDISM, CONGENITAL, NONGOITROUS, 8. Last evaluated: 2019-09-27. Review status: no assertion criteria provided. Collection method: literature only. Allele origin: germline. Not counted in ClinVar's aggregate classification.

Literature cited by the submitters: PubMed 27603907 (cited by SIB Swiss Institute of Bioinformatics and OMIM).